The following is an entry in ClinVar:

ClinVar aggregate classification (germline): Pathogenic (1 of 4 stars; one submission).

Conditions:
Joubert syndrome. Also called: JOUBERT-BOLTSHAUSER SYNDROME; Familial aplasia of the vermis. Identifiers: Orphanet 475, MedGen C5979921, MONDO:0018772.
Meckel-Gruber syndrome. Also called: DYSENCEPHALIA SPLANCHNOCYSTICA; GRUBER SYNDROME; Dysencephalia splachnocystica. Identifiers: Orphanet 564, MedGen C0265215, MONDO:0018921.

Submission:

Labcorp Genetics (formerly Invitae), Labcorp
Classification: Pathogenic for Joubert syndrome; Meckel-Gruber syndrome. Last evaluated: 2023-01-15. Review status: criteria provided, single submitter. Criteria: Invitae Variant Classification Sherloc (09022015). Collection method: clinical testing. Allele origin: germline.
Comment: For these reasons, this variant has been classified as Pathogenic. Algorithms developed to predict the effect of sequence changes on RNA splicing suggest that this variant may disrupt the consensus splice site. Disruption of this splice site has been observed in individual(s) with clinical features of Joubert syndrome (Invitae). This variant is not present in population databases (gnomAD no frequency). This sequence change affects an acceptor splice site in intron 9 of the CC2D2A gene. It is expected to disrupt RNA splicing. Variants that disrupt the donor or acceptor splice site typically lead to a loss of protein function (PMID: 16199547), and loss-of-function variants in CC2D2A are known to be pathogenic (PMID: 19777577).

Literature cited by the submitters: PubMed 16199547; PubMed 19777577.

NM_001378615.1(CC2D2A):c.718-1G>C

Genes: CC2D2A (coiled-coil and C2 domain containing 2A; plus strand), FBXL5 (F-box and leucine rich repeat protein 5; minus strand). Cytogenetic location: 4p15.32.
Variant type: single nucleotide variant.
Coding change: c.718-1G>C on transcript NM_001378615.1 (MANE Select); the canonical splice acceptor site of the intron before coding-DNA position 718, G replaced by C.
Molecular consequence: splice acceptor variant.
Genome position (GRCh38, 1-based): chr4:15,514,706, G>C. VCF-style: chr4-15514706-G-C. GRCh37 (hg19) VCF-style: chr4-15516329-G-C.
Other names: c.718-1G>C (NM_001080522.2); c.571-1G>C (NM_001378617.1).
Identifiers: ClinVar variation 2941445 (VCV002941445.3), dbSNP rs2474920861, ClinGen allele CA356409114.